The following is an entry in ClinVar:

NM_004104.5(FASN):c.1709T>C (p.Met570Thr)

Gene: FASN (fatty acid synthase; minus strand). Cytogenetic location: 17q25.3.
Variant type: single nucleotide variant.
Coding change: c.1709T>C on transcript NM_004104.5 (MANE Select); coding-DNA position 1709, T replaced by C.
Protein change: p.Met570Thr; replaces methionine 570 with threonine.
Molecular consequence: missense variant.
Genome position (GRCh38, 1-based): chr17:82,090,536, A>G on the plus strand (T>C on the coding strand, the complement: FASN is on the minus strand). VCF-style: chr17-82090536-A-G. GRCh37 (hg19) VCF-style: chr17-80048412-A-G.
Other names: short protein forms M570T.
Identifiers: ClinVar variation 3623746 (VCV003623746.2).

ClinVar aggregate classification (germline): Uncertain significance (1 of 4 stars; one submission).

Conditions:
Epileptic encephalopathy. Identifiers: MedGen C0543888, HP:0200134.

gnomAD v4.1: 1 of 1,612,056 alleles (0.000062%); highest among the groups gnomAD compares: Non-Finnish European, 0.000085%; no homozygotes.

Submission:

Labcorp Genetics (formerly Invitae), Labcorp
Classification: Uncertain significance for Epileptic encephalopathy. Last evaluated: 2025-01-30. Review status: criteria provided, single submitter. Criteria: Invitae Variant Classification Sherloc (09022015). Collection method: clinical testing. Allele origin: germline.
Comment: This sequence change replaces methionine, which is neutral and non-polar, with threonine, which is neutral and polar, at codon 570 of the FASN protein (p.Met570Thr). This variant is not present in population databases (gnomAD no frequency). This variant has not been reported in the literature in individuals affected with FASN-related conditions. An algorithm developed to predict the effect of missense changes on protein structure and function (PolyPhen-2) suggests that this variant is likely to be tolerated. In summary, the available evidence is currently insufficient to determine the role of this variant in disease. Therefore, it has been classified as a Variant of Uncertain Significance.